The following is an entry in ClinVar:

NM_007194.4(CHEK2):c.1008+1G>C

Gene: CHEK2 (checkpoint kinase 2; minus strand). Cytogenetic location: 22q12.1.
Variant type: single nucleotide variant.
Coding change: c.1008+1G>C on transcript NM_007194.4 (MANE Select); the canonical splice donor site of the intron after coding-DNA position 1008, G replaced by C.
Molecular consequence: splice donor variant.
Genome position (GRCh38, 1-based): chr22:28,699,837, C>G on the plus strand (G>C on the coding strand, the complement: CHEK2 is on the minus strand). VCF-style: chr22-28699837-C-G. GRCh37 (hg19) VCF-style: chr22-29095825-C-G.
Other names: c.345+1G>C (NM_001437942.1, NM_001257387.3); c.807+1G>C (NM_001349956.3); c.1008+1G>C (NM_145862.3); c.1101+1G>C (NM_001438295.1, NM_001438293.1); c.1137+1G>C (NM_001438294.1, NM_001005735.3).
Identifiers: ClinVar variation 836710 (VCV000836710.9), dbSNP rs1555915298, ClinGen allele CA411099235.

ClinVar aggregate classification (germline): Likely pathogenic (1 of 4 stars; one submission).

Conditions:
Familial cancer of breast. Also called: hereditary breast carcinoma; BREAST CANCER, FAMILIAL; Hereditary breast cancer. Identifiers: Orphanet 227535, MedGen C0346153, MONDO:0016419, OMIM 114480. Disease mechanism: loss of function.

Submission:

Labcorp Genetics (formerly Invitae), Labcorp
Classification: Likely pathogenic for Familial cancer of breast. Last evaluated: 2025-11-17. Review status: criteria provided, single submitter. Criteria: Invitae Variant Classification Sherloc (09022015). Collection method: clinical testing. Allele origin: germline.
Comment: This sequence change affects a donor splice site in intron 9 of the CHEK2 gene. It is expected to disrupt RNA splicing. Variants that disrupt the donor or acceptor splice site typically lead to a loss of protein function (PMID: 16199547), and loss-of-function variants in CHEK2 are known to be pathogenic (PMID: 21876083, 24713400). This variant is not present in population databases (gnomAD no frequency). This variant has not been reported in the literature in individuals affected with CHEK2-related conditions. ClinVar contains an entry for this variant (Variation ID: 836710). Algorithms developed to predict the effect of sequence changes on RNA splicing suggest that this variant may disrupt the consensus splice site. In summary, the currently available evidence indicates that the variant is pathogenic, but additional data are needed to prove that conclusively. Therefore, this variant has been classified as Likely Pathogenic.

Literature cited by the submitters: PubMed 16199547; PubMed 21876083; PubMed 24713400.